The following is an entry in ClinVar:

NM_001903.5(CTNNA1):c.1430_1433del (p.Ser477fs)

Gene: CTNNA1 (catenin alpha 1; plus strand). Cytogenetic location: 5q31.2.
Variant type: Deletion.
Coding change: c.1430_1433del on transcript NM_001903.5 (MANE Select); coding-DNA positions 1430 to 1433, 4 bases deleted (GTAA; older notation c.1430_1433delGTAA).
Protein change: p.Ser477fs; shifts the reading frame from serine 477.
Molecular consequence: frameshift variant. On other transcripts: 5 prime UTR variant (5).
Genome position (GRCh38, 1-based): chr5:138,917,782-138,917,785, GTAA deleted; deleting any 4 consecutive bases within chr5:138,917,781-138,917,785 gives the same sequence; the c. name uses the placement nearest the transcript's 3' end. VCF-style (leftmost placement, unchanged base first): chr5-138917780-GAGTA-G. GRCh37 (hg19) VCF-style: chr5-138253469-GAGTA-G.
Other names: c.77_80del, p.Ser26fs (NM_001324012.1, NM_001324013.1); c.1430_1433del, p.Ser477fs (NM_001290307.3, NM_001323982.2, NM_001323983.1 and 2 more transcripts); c.1121_1124del, p.Ser374fs (NM_001290309.3); c.1061_1064del, p.Ser354fs (NM_001290310.3); c.320_323del, p.Ser107fs (NM_001290312.1, NM_001323987.1, NM_001323988.1 and 17 more transcripts); c.1337_1340del, p.Ser446fs (NM_001323986.2); c.-20_-17del (NM_001324006.1, NM_001324007.1, NM_001324008.1 and 2 more transcripts); c.227_230del, p.Ser76fs (NM_001324011.1); short protein forms S354fs, S446fs, S107fs, S26fs, S374fs, S477fs, S76fs.
Identifiers: ClinVar variation 3148695 (VCV003148695.1), dbSNP rs2533588489, ClinGen allele CA2825001395.

ClinVar aggregate classification (germline): Pathogenic (1 of 4 stars; one submission).

Conditions:
Hereditary diffuse gastric adenocarcinoma (HDGC). Also called: DIFFUSE GASTRIC AND LOBULAR BREAST CANCER SYNDROME. Identifiers: Orphanet 26106, MedGen C1708349, MONDO:0007648, OMIM 137215.

Submission:

Myriad Genetics, Inc.
Classification: Pathogenic for Hereditary diffuse gastric adenocarcinoma. Last evaluated: 2024-02-05. Review status: criteria provided, single submitter. Criteria: Myriad Autosomal Dominant, Autosomal Recessive and X-Linked Classification Criteria (2023). Collection method: clinical testing. Allele origin: unknown.
Comment: This variant is considered pathogenic. This variant creates a frameshift predicted to result in premature protein truncation.